The following is an entry in ClinVar:

NM_001348946.2(ABCB1):c.1887+4T>G

Gene: ABCB1 (ATP binding cassette subfamily B member 1; minus strand). Cytogenetic location: 7q21.12.
Variant type: single nucleotide variant.
Coding change: c.1887+4T>G on transcript NM_001348946.2 (MANE Select); 4 bases into the intron after coding-DNA position 1887, T replaced by G.
Molecular consequence: intron variant.
Genome position (GRCh38, 1-based): chr7:87,545,859, A>C on the plus strand (T>G on the coding strand, the complement: ABCB1 is on the minus strand). VCF-style: chr7-87545859-A-C. GRCh37 (hg19) VCF-style: chr7-87175175-A-C.
Other names: c.1887+4T>G (NM_001348944.2, NM_000927.5); c.2097+4T>G (NM_001348945.2).
Identifiers: ClinVar variation 3048470 (VCV003048470.2), dbSNP rs201859423, ClinGen allele CA4328191.
Genomic context (GRCh38, chr7:87,545,859, plus strand): 5'-GCATTAAATGCAAAATCAGTTTATCACTGAGATGACTTAGGAAAATTCTGAAGTTAAACT[A>C]TACCTGCATTGTGACAAGTTTGAAGTAAATGCCTTTCTCTTTCATGAGTTCATCATGATT-3'

ClinVar aggregate classification (germline): Likely benign (0 of 4 stars; one submission).

Conditions:
ABCB1-related disorder. Also called: ABCB1-related condition.

Allele frequency attached by ClinVar (database versions not stated): ESP Exome Variant Server 0.00008; ExAC 0.00016.
gnomAD v4.1: 708 of 1,613,878 alleles (0.044%); highest among the groups gnomAD compares: Non-Finnish European, 0.054%; no homozygotes.

Submission:

PreventionGenetics, part of Exact Sciences
Classification: Likely benign for ABCB1-related condition. Last evaluated: 2019-12-02. Review status: no assertion criteria provided. Collection method: clinical testing. Allele origin: germline.
Comment: This variant is classified as likely benign based on ACMG/AMP sequence variant interpretation guidelines (Richards et al. 2015 PMID: 25741868, with internal and published modifications).